The following is an entry in ClinVar:

NM_000159.4(GCDH):c.1082+2T>C

Gene: GCDH (glutaryl-CoA dehydrogenase; plus strand). Cytogenetic location: 19p13.13.
Variant type: single nucleotide variant.
Coding change: c.1082+2T>C on transcript NM_000159.4 (MANE Select); the canonical splice donor site of the intron after coding-DNA position 1082, T replaced by C.
Molecular consequence: splice donor variant.
Genome position (GRCh38, 1-based): chr19:12,897,430, T>C. VCF-style: chr19-12897430-T-C. GRCh37 (hg19) VCF-style: chr19-13008244-T-C.
Other names: c.1082+2T>C (NM_013976.5).
Identifiers: ClinVar variation 1501110 (VCV001501110.9), dbSNP rs2145954110, ClinGen allele CA404320414.

ClinVar aggregate classification (germline): Pathogenic/Likely pathogenic. Review status: criteria provided, multiple submitters, no conflicts (2 of 4 stars). 2 submissions from 2 submitters: Pathogenic (1); Likely pathogenic (1). Last evaluated 2023-09-19.

Conditions:
Glutaric aciduria, type 1. Also called: Glutaryl-CoA dehydrogenase deficiency; Glutaric Acidemia Type 1; GA I; Glutaric acidemia type I; Glutaricacidemia Type 1; Glutaricaciduria, type I. Identifiers: Orphanet 25, MedGen C0268595, MONDO:0009281, OMIM 231670.

Submissions (2):

Labcorp Genetics (formerly Invitae), Labcorp
Classification: Pathogenic for Glutaric aciduria, type 1. Last evaluated: 2023-09-19. Review status: criteria provided, single submitter. Criteria: Invitae Variant Classification Sherloc (09022015). Collection method: clinical testing. Allele origin: germline.
Comment: This sequence change affects a donor splice site in intron 10 of the GCDH gene. It is expected to disrupt RNA splicing. Variants that disrupt the donor or acceptor splice site typically lead to a loss of protein function (PMID: 16199547), and loss-of-function variants in GCDH are known to be pathogenic (PMID: 10699052, 11854167, 16602100). This variant is not present in population databases (gnomAD no frequency). Disruption of this splice site has been observed in individual(s) with glutaric acidemia type I and/or glutaric aciduria type I (PMID: 33728242). In at least one individual the data is consistent with being in trans (on the opposite chromosome) from a pathogenic variant. ClinVar contains an entry for this variant (Variation ID: 1501110). Algorithms developed to predict the effect of sequence changes on RNA splicing suggest that this variant may disrupt the consensus splice site. For these reasons, this variant has been classified as Pathogenic.

Baylor Genetics
Classification: Likely pathogenic for Glutaric aciduria, type 1. Last evaluated: 2023-02-04. Review status: criteria provided, single submitter. Criteria: ACMG Guidelines, 2015. Collection method: clinical testing. Allele origin: unknown.

Literature cited by the submitters: PubMed 16199547 (cited by Labcorp Genetics (formerly Invitae), Labcorp); PubMed 10699052 (cited by Labcorp Genetics (formerly Invitae), Labcorp); PubMed 11854167 (cited by Labcorp Genetics (formerly Invitae), Labcorp); PubMed 16602100 (cited by Labcorp Genetics (formerly Invitae), Labcorp); PubMed 33728242 (cited by Labcorp Genetics (formerly Invitae), Labcorp).